The following is an entry in ClinVar:

ClinVar aggregate classification (germline): Uncertain significance. Review status: criteria provided, multiple submitters, no conflicts (2 of 4 stars). 3 submissions from 3 submitters: Uncertain significance (3). Last evaluated 2025-04-07.

Conditions:
Epilepsy, childhood absence, susceptibility to, 6. Identifiers: Orphanet 64280, MedGen C2749872, MONDO:0012763, OMIM 611942.
Hyperaldosteronism, familial, type IV (HALD4). Also called: FH IV; ALDOSTERONISM, PRIMARY, AND HYPERTENSION. Identifiers: Orphanet 642671, MedGen C4310756, MONDO:0014875, OMIM 617027.
Idiopathic generalized epilepsy. Also called: Generalised epilepsy; EIG. Identifiers: MedGen C0270850, MONDO:0005579, OMIM 600669.
Inborn genetic diseases. Identifiers: MedGen C0950123, MeSH D030342.

Allele frequency attached by ClinVar (database versions not stated): TOPMed below 0.00001; gnomAD 0.00001; gnomAD exomes 0.00002 and 0.00005.

Submissions (3):

Labcorp Genetics (formerly Invitae), Labcorp
Classification: Uncertain significance for Idiopathic generalized epilepsy; Hyperaldosteronism, familial, type IV. Last evaluated: 2025-04-07. Review status: criteria provided, single submitter. Criteria: Invitae Variant Classification Sherloc (09022015). Collection method: clinical testing. Allele origin: germline.
Comment: This sequence change replaces arginine, which is basic and polar, with glutamine, which is neutral and polar, at codon 1577 of the CACNA1H protein (p.Arg1577Gln). This variant is present in population databases (no rsID available, gnomAD 0.007%). This variant has not been reported in the literature in individuals affected with CACNA1H-related conditions. ClinVar contains an entry for this variant (Variation ID: 1015085). Invitae Evidence Modeling of protein sequence and biophysical properties (such as structural, functional, and spatial information, amino acid conservation, physicochemical variation, residue mobility, and thermodynamic stability) indicates that this missense variant is expected to disrupt CACNA1H protein function with a positive predictive value of 80%. In summary, the available evidence is currently insufficient to determine the role of this variant in disease. Therefore, it has been classified as a Variant of Uncertain Significance.

Ambry Genetics
Classification: Uncertain significance for Inborn genetic diseases. Last evaluated: 2021-10-06. Review status: criteria provided, single submitter. Criteria: Ambry Variant Classification Scheme 2023. Collection method: clinical testing. Allele origin: germline.

Fulgent Genetics
Classification: Uncertain significance for Epilepsy, childhood absence, susceptibility to, 6; Hyperaldosteronism, familial, type IV. Last evaluated: 2021-07-19. Review status: criteria provided, single submitter. Criteria: ACMG Guidelines, 2015. Collection method: clinical testing. Allele origin: unknown.

NM_021098.3(CACNA1H):c.4730G>A (p.Arg1577Gln)

Gene: CACNA1H (calcium voltage-gated channel subunit alpha1 H; plus strand). Cytogenetic location: 16p13.3.
Variant type: single nucleotide variant.
Coding change: c.4730G>A on transcript NM_021098.3 (MANE Select); coding-DNA position 4730, G replaced by A.
Protein change: p.Arg1577Gln; replaces arginine 1577 with glutamine.
Molecular consequence: missense variant.
Genome position (GRCh38, 1-based): chr16:1,212,109, G>A. VCF-style: chr16-1212109-G-A. GRCh37 (hg19) VCF-style: chr16-1262109-G-A.
Other names: c.4730G>A, p.Arg1577Gln (NM_001005407.2); c.4730G>A (NM_021098.2); short protein forms R1577Q.
Identifiers: ClinVar variation 1015085 (VCV001015085.10), dbSNP rs1343159534, ClinGen allele CA394181158.
Genomic context (GRCh38, chr16:1,212,109, plus strand): 5'-ACTTCCACAAGTGCCGGCAGCACCAGGAGGCGGAGGAGGCGCGGCGGCGAGAGGAGAAGC[G>A]GCTGCGGCGCCTAGAGAGGAGGCGCAGGAGTAAGGCGCTCCCGGTGGCGGTGGCGGTGGC-3'
Protein context (NP_066921.2, residues 1567-1587): AEEARRREEK[Arg1577Gln]LRRLERRRRS